The following is an entry in ClinVar:

NM_001367624.2(ZNF469):c.5606G>A (p.Arg1869Gln)

Gene: ZNF469 (zinc finger protein 469; plus strand). Cytogenetic location: 16q24.2.
Variant type: single nucleotide variant.
Coding change: c.5606G>A on transcript NM_001367624.2 (MANE Select); coding-DNA position 5606, G replaced by A.
Protein change: p.Arg1869Gln; replaces arginine 1869 with glutamine.
Molecular consequence: missense variant.
Genome position (GRCh38, 1-based): chr16:88,433,076, G>A. VCF-style: chr16-88433076-G-A. GRCh37 (hg19) VCF-style: chr16-88499484-G-A.
Other names: NM_001127464.1:c.5522G>A; NM_001127464.2:c.5522G>A; short protein forms R1869Q.
Identifiers: ClinVar variation 2497316 (VCV002497316.4), dbSNP rs887848152, ClinGen allele CA286380753.
Genomic context (GRCh38, chr16:88,433,076, plus strand): 5'-GGCCTGGCTTTGAGGGTAATGAGTTTGCACCGGCGGGGGCCTCCTCACTGACTGCCCCCC[G>A]GGGCAGGGAGGCTTGGTTGGTCCCTGTGCCAAGTCCCGCCTGTGTATCCAACACCCACCC-3'
Protein context (NP_001354553.1, residues 1859-1879): PAGASSLTAP[Arg1869Gln]GREAWLVPVP

ClinVar aggregate classification (germline): Conflicting classifications of pathogenicity. Review status: criteria provided, conflicting classifications (1 of 4 stars). 3 submissions from 3 submitters: Uncertain significance (1); Likely benign (1). 1 of the submissions does not count toward it. Last evaluated 2026-01-09.

Conditions:
ZNF469-related disorder. Also called: ZNF469-related condition.
Cardiovascular phenotype. Identifiers: MedGen CN230736.

Allele frequency attached by ClinVar (database versions not stated): gnomAD exomes 0.00002.
gnomAD v4.1: 43 of 1,549,936 alleles (0.0028%); highest among the groups gnomAD compares: Middle Eastern, 0.017%; 1 homozygote.

Submissions (3):

Women's Health and Genetics/Laboratory Corporation of America, LabCorp
Classification: Uncertain significance. Last evaluated: 2026-01-09. Review status: criteria provided, single submitter. Criteria: LabCorp Variant Classification Summary - May 2015. Collection method: clinical testing. Allele origin: germline.
Comment: Variant summary: ZNF469 c.5606G>A (p.Arg1869Gln) results in a conservative amino acid change in the encoded protein sequence. Algorithms developed to predict the effect of missense changes on protein structure and function are either unavailable or do not agree on the potential impact of this missense change. The variant allele was found at a frequency of 1.3e-05 in 151164 control chromosomes. The available data on variant occurrences in the general population are insufficient to allow any conclusion about variant significance. To our knowledge, no occurrence of c.5606G>A in individuals affected with ZNF469-related conditions and no experimental evidence demonstrating its impact on protein function have been reported. ClinVar contains an entry for this variant (Variation ID: 2497316). Based on the evidence outlined above, the variant was classified as uncertain significance.

Ambry Genetics
Classification: Likely benign for Cardiovascular phenotype. Last evaluated: 2023-01-01. Review status: criteria provided, single submitter. Criteria: Ambry Variant Classification Scheme 2023. Collection method: clinical testing. Allele origin: germline.

PreventionGenetics, part of Exact Sciences
Classification: Uncertain significance for ZNF469-related condition. Last evaluated: 2024-08-08. Review status: no assertion criteria provided. Collection method: clinical testing. Allele origin: germline. Not counted in ClinVar's aggregate classification.
Comment: The ZNF469 c.5522G>A variant is predicted to result in the amino acid substitution p.Arg1841Gln. To our knowledge, this variant has not been reported in the literature. This variant is reported in 0.011% of alleles in individuals of European (Finnish) descent in gnomAD. At this time, the clinical significance of this variant is uncertain due to the absence of conclusive functional and genetic evidence.